The following is an entry in ClinVar:

ClinVar aggregate classification (germline): Uncertain significance (1 of 4 stars; one submission).

Conditions:
Loeys-Dietz syndrome 2 (LDS2). Also called: AORTIC ANEURYSM, FAMILIAL THORACIC 3; TGFBR2-Related Loeys-Dietz Syndrome; Marfan Syndrome type 2; Marfan like connective tissue disorder; MFS 2; MARFAN SYNDROME, TYPE II. Identifiers: Orphanet 284973, Orphanet 558, MedGen C2674574, MONDO:0012427, OMIM 610168.

Allele frequency attached by ClinVar (database versions not stated): gnomAD exomes below 0.00001.
gnomAD v4.1: 1 of 1,613,720 alleles (0.000062%); highest among the groups gnomAD compares: Non-Finnish European, 0.000085%; no homozygotes.

Submission:

Labcorp Genetics (formerly Invitae), Labcorp
Classification: Uncertain significance for Loeys-Dietz Syndrome, Type 1b. Last evaluated: 2019-08-12. Review status: criteria provided, single submitter. Criteria: Invitae Variant Classification Sherloc (09022015). Collection method: clinical testing. Allele origin: germline.
Comment: This sequence change replaces threonine with alanine at codon 621 of the TMPO protein (p.Thr621Ala). The threonine residue is weakly conserved and there is a small physicochemical difference between threonine and alanine. This variant is not present in population databases (ExAC no frequency). This variant has not been reported in the literature in individuals with TMPO-related conditions. Algorithms developed to predict the effect of missense changes on protein structure and function output the following: SIFT: "Tolerated"; PolyPhen-2: "Benign"; Align-GVGD: "Class C0". The alanine amino acid residue is found in multiple mammalian species, suggesting that this missense change does not adversely affect protein function. These predictions have not been confirmed by published functional studies and their clinical significance is uncertain. In summary, the available evidence is currently insufficient to determine the role of this variant in disease. Therefore, it has been classified as a Variant of Uncertain Significance.

NM_001032283.3(TMPO):c.565+2280A>G

Gene: TMPO (thymopoietin; plus strand). Cytogenetic location: 12q23.1.
Variant type: single nucleotide variant.
Coding change: c.565+2280A>G on transcript NM_001032283.3 (MANE Select); 2280 bases into the intron after coding-DNA position 565, A replaced by G.
Molecular consequence: intron variant. On other transcripts: missense variant (1).
Genome position (GRCh38, 1-based): chr12:98,534,118, A>G. VCF-style: chr12-98534118-A-G. GRCh37 (hg19) VCF-style: chr12-98927896-A-G.
Other names: c.1861A>G, p.Thr621Ala (NM_003276.2); c.565+2280A>G (NM_001307975.2, NM_001032284.3); short protein forms T621A.
Identifiers: ClinVar variation 942010 (VCV000942010.1), dbSNP rs1877412049, ClinGen allele CA386154088.